The following is an entry in ClinVar:

ClinVar aggregate classification (germline): Pathogenic (1 of 4 stars; one submission).

Conditions:
Kennedy disease (SMAX1). Also called: SPINAL AND BULBAR MUSCULAR ATROPHY, X-LINKED 1; KENNEDY SPINAL AND BULBAR MUSCULAR ATROPHY; Spinal and Bulbar Muscular Atrophy. Identifiers: Orphanet 481, MedGen C1839259, MONDO:0010735, OMIM 313200.
Androgen resistance syndrome (AIS). Also called: ANDROGEN RECEPTOR DEFICIENCY; DIHYDROTESTOSTERONE RECEPTOR DEFICIENCY; TESTICULAR FEMINIZATION SYNDROME; Androgen insensitivity syndrome; Androgen insensitivity; DHTR DEFICIENCY. Identifiers: Orphanet 754, Orphanet 99429, MedGen C0039585, MONDO:0019154, OMIM 300068. Disease mechanism: loss of function.

Submission:

Labcorp Genetics (formerly Invitae), Labcorp
Classification: Pathogenic for Kennedy disease; Androgen resistance syndrome. Last evaluated: 2024-09-24. Review status: criteria provided, single submitter. Criteria: Invitae Variant Classification Sherloc (09022015). Collection method: clinical testing. Allele origin: germline.
Comment: This sequence change creates a premature translational stop signal (p.Leu438Hisfs*65) in the AR gene. It is expected to result in an absent or disrupted protein product. Loss-of-function variants in AR are known to be pathogenic (PMID: 19463997). This variant is not present in population databases (gnomAD no frequency). This variant has not been reported in the literature in individuals affected with AR-related conditions. For these reasons, this variant has been classified as Pathogenic.

Literature cited by the submitters: PubMed 19463997.

NM_000044.6(AR):c.1307_1310dup (p.Leu438fs)

Gene: AR (androgen receptor; plus strand). Cytogenetic location: Xq12.
Variant type: Microsatellite.
Coding change: c.1307_1310dup on transcript NM_000044.6 (MANE Select); coding-DNA positions 1307 to 1310, 4 bases duplicated (ACAC; older notation c.1307_1310dupACAC).
Protein change: p.Leu438fs; shifts the reading frame from leucine 438.
Molecular consequence: frameshift variant. On other transcripts: 5 prime UTR variant (1).
Genome position (GRCh38, 1-based): chrX:67,546,453-67,546,456, ACAC duplicated; duplicating any 4 consecutive bases within chrX:67,546,452-67,546,456 gives the same sequence; the c. name uses the placement nearest the transcript's 3' end. VCF-style (leftmost placement, unchanged base first): chrX-67546451-G-GCACA. GRCh37 (hg19) VCF-style: chrX-66766293-G-GCACA.
Other names: c.-477AC[4] (NM_001011645.3); c.1307_1310dup, p.Leu438fs (NM_001348061.1, NM_001348063.1, NM_001348064.1); short protein forms L438fs.
Identifiers: ClinVar variation 3759235 (VCV003759235.2).